The following is an entry in ClinVar:

ClinVar aggregate classification (germline): Uncertain significance (1 of 4 stars; one submission).

Conditions:
Tuberous sclerosis 2 (TSC2). Identifiers: Orphanet 805, MedGen C1860707, MONDO:0013199, OMIM 613254.

Submission:

Labcorp Genetics (formerly Invitae), Labcorp
Classification: Uncertain significance for Tuberous sclerosis 2. Last evaluated: 2023-05-30. Review status: criteria provided, single submitter. Criteria: Invitae Variant Classification Sherloc (09022015). Collection method: clinical testing. Allele origin: germline.
Comment: This sequence change replaces histidine, which is basic and polar, with tyrosine, which is neutral and polar, at codon 832 of the TSC2 protein (p.His832Tyr). This variant is not present in population databases (gnomAD no frequency). This variant has not been reported in the literature in individuals affected with TSC2-related conditions. ClinVar contains an entry for this variant (Variation ID: 953745). Advanced modeling of protein sequence and biophysical properties (such as structural, functional, and spatial information, amino acid conservation, physicochemical variation, residue mobility, and thermodynamic stability) performed at Invitae indicates that this missense variant is not expected to disrupt TSC2 protein function. In summary, the available evidence is currently insufficient to determine the role of this variant in disease. Therefore, it has been classified as a Variant of Uncertain Significance.

NM_000548.5(TSC2):c.2494C>T (p.His832Tyr)

Gene: TSC2 (TSC complex subunit 2; plus strand). Cytogenetic location: 16p13.3.
Variant type: single nucleotide variant.
Coding change: c.2494C>T on transcript NM_000548.5 (MANE Select); coding-DNA position 2494, C replaced by T.
Protein change: p.His832Tyr; replaces histidine 832 with tyrosine.
Molecular consequence: missense variant.
Genome position (GRCh38, 1-based): chr16:2,074,338, C>T. VCF-style: chr16-2074338-C-T. GRCh37 (hg19) VCF-style: chr16-2124339-C-T.
Other names: c.2494C>T, p.His832Tyr (NM_001077183.3, NM_001114382.3, NM_001363528.2 and 3 more transcripts); c.2383C>T, p.His795Tyr (NM_001318827.2); c.2347C>T, p.His783Tyr (NM_001318829.2); c.1894C>T, p.His632Tyr (NM_001318831.2); c.2527C>T, p.His843Tyr (NM_001318832.2); short protein forms H632Y, H795Y, H843Y, H783Y, H832Y.
Identifiers: ClinVar variation 953745 (VCV000953745.9), dbSNP rs2088939242, ClinGen allele CA394277795.